The following is an entry in ClinVar:

ClinVar aggregate classification (germline): Uncertain significance. Review status: criteria provided, multiple submitters, no conflicts (2 of 4 stars). 2 submissions from 2 submitters: Uncertain significance (2). Last evaluated 2024-05-06.

Allele frequency attached by ClinVar (database versions not stated): gnomAD exomes 0.00001; ExAC 0.00002.
gnomAD v4.1: 12 of 1,606,574 alleles (0.00075%); highest among the groups gnomAD compares: Non-Finnish European, 0.001%; no homozygotes.

Submissions (2):

Blueprint Genetics
Classification: Uncertain significance. Last evaluated: 2024-05-06. Review status: criteria provided, single submitter. Criteria: ACMG Guidelines, 2015. Collection method: clinical testing. Allele origin: germline.

Labcorp Genetics (formerly Invitae), Labcorp
Classification: Uncertain significance. Last evaluated: 2023-11-19. Review status: criteria provided, single submitter. Criteria: Invitae Variant Classification Sherloc (09022015). Collection method: clinical testing. Allele origin: germline.
Comment: This sequence change replaces glutamic acid, which is acidic and polar, with lysine, which is basic and polar, at codon 109 of the SAG protein (p.Glu109Lys). This variant is present in population databases (rs772655861, gnomAD 0.003%). This variant has not been reported in the literature in individuals affected with SAG-related conditions. Advanced modeling of protein sequence and biophysical properties (such as structural, functional, and spatial information, amino acid conservation, physicochemical variation, residue mobility, and thermodynamic stability) performed at Invitae indicates that this missense variant is not expected to disrupt SAG protein function with a negative predictive value of 80%. In summary, the available evidence is currently insufficient to determine the role of this variant in disease. Therefore, it has been classified as a Variant of Uncertain Significance.

NM_000541.5(SAG):c.325G>A (p.Glu109Lys)

Gene: SAG (S-antigen visual arrestin; plus strand). Cytogenetic location: 2q37.1.
Variant type: single nucleotide variant.
Coding change: c.325G>A on transcript NM_000541.5 (MANE Select); coding-DNA position 325, G replaced by A.
Protein change: p.Glu109Lys; replaces glutamic acid 109 with lysine.
Molecular consequence: missense variant.
Genome position (GRCh38, 1-based): chr2:233,320,773, G>A. VCF-style: chr2-233320773-G-A. GRCh37 (hg19) VCF-style: chr2-234229419-G-A.
Other names: short protein forms E109K.
Identifiers: ClinVar variation 2779907 (VCV002779907.4), dbSNP rs772655861, ClinGen allele CA2174334.
Genomic context (GRCh38, chr2:233,320,773, plus strand): 5'-TTCTCCCGGGTCCAGGTGTATCCTCCTGTGGGGGCCGCGAGCACCCCCACAAAACTGCAA[G>A]AGAGCCTGCTTAAAAAGCTGGGGAGCAACACGTACCCCTTTCTCCTGACGGTGGGTGACT-3'
Protein context (NP_000532.2, residues 99-119): GAASTPTKLQ[Glu109Lys]SLLKKLGSNT